The following is an entry in ClinVar:

ClinVar aggregate classification (germline): Pathogenic (1 of 4 stars; one submission).

Conditions:
Familial cancer of breast. Also called: Hereditary breast cancer; BREAST CANCER, FAMILIAL; hereditary breast carcinoma. Identifiers: Orphanet 227535, MedGen C0346153, MONDO:0016419, OMIM 114480. Disease mechanism: loss of function.

Submission:

Myriad Genetics, Inc.
Classification: Pathogenic for Familial cancer of breast. Last evaluated: 2023-05-25. Review status: criteria provided, single submitter. Criteria: Myriad Autosomal Dominant, Autosomal Recessive and X-Linked Classification Criteria (2023). Collection method: clinical testing. Allele origin: unknown.
Comment: This variant is considered pathogenic. This variant creates a frameshift predicted to result in premature protein truncation.

NM_000465.4(BARD1):c.1944del (p.Glu649fs)

Gene: BARD1 (BRCA1 associated RING domain 1; minus strand). Cytogenetic location: 2q35.
Variant type: Deletion.
Coding change: c.1944del on transcript NM_000465.4 (MANE Select); coding-DNA position 1944, one base deleted (A; older notation c.1944delA).
Protein change: p.Glu649fs; shifts the reading frame from glutamic acid 649.
Molecular consequence: frameshift variant. On other transcripts: non-coding transcript variant (3).
Genome position (GRCh38, 1-based): chr2:214,730,468, T deleted on the plus strand (A on the coding strand, the reverse complement: BARD1 is on the minus strand); the first of 2 consecutive T bases (chr2:214,730,468-214,730,469); deleting either gives the same sequence. VCF-style (leftmost placement, unchanged base first): chr2-214730467-CT-C. GRCh37 (hg19) VCF-style: chr2-215595191-CT-C.
Other names: c.1887del, p.Glu630fs (NM_001282543.2); c.591del, p.Glu198fs (NM_001282545.2); c.534del, p.Glu179fs (NM_001282548.2); c.405del, p.Glu136fs (NM_001282549.2); short protein forms E136fs, E179fs, E198fs, E630fs, E649fs.
Identifiers: ClinVar variation 2583301 (VCV002583301.2), dbSNP rs2469277351, ClinGen allele CA2582342057.